The following is an entry in ClinVar:

NM_004656.4(BAP1):c.1086C>A (p.Asp362Glu)

Gene: BAP1 (BRCA1 associated deubiquitinase 1; minus strand). Cytogenetic location: 3p21.1.
Variant type: single nucleotide variant.
Coding change: c.1086C>A on transcript NM_004656.4 (MANE Select); coding-DNA position 1086, C replaced by A.
Protein change: p.Asp362Glu; replaces aspartic acid 362 with glutamic acid.
Molecular consequence: missense variant.
Genome position (GRCh38, 1-based): chr3:52,405,140, G>T on the plus strand (C>A on the coding strand, the complement: BAP1 is on the minus strand). VCF-style: chr3-52405140-G-T. GRCh37 (hg19) VCF-style: chr3-52439156-G-T.
Other names: c.1032C>A, p.Asp344Glu (NM_001410772.1); short protein forms D344E, D362E.
Identifiers: ClinVar variation 2815708 (VCV002815708.3), dbSNP rs1233834534, ClinGen allele CA353105384.

ClinVar aggregate classification (germline): Uncertain significance (1 of 4 stars; one submission).

Conditions:
BAP1-related tumor predisposition syndrome (TPDS1). Also called: COMMON Syndrome; Tumor susceptibility linked to germline BAP1 mutations; TUMOR PREDISPOSITION SYNDROME 1; BAP1 tumor predisposition syndrome. Identifiers: Orphanet 289539, MedGen C3280492, MONDO:0013692, OMIM 614327.

Submission:

Labcorp Genetics (formerly Invitae), Labcorp
Classification: Uncertain significance for BAP1-related tumor predisposition syndrome. Last evaluated: 2022-11-23. Review status: criteria provided, single submitter. Criteria: Invitae Variant Classification Sherloc (09022015). Collection method: clinical testing. Allele origin: germline.
Comment: This sequence change replaces aspartic acid, which is acidic and polar, with glutamic acid, which is acidic and polar, at codon 362 of the BAP1 protein (p.Asp362Glu). In summary, the available evidence is currently insufficient to determine the role of this variant in disease. Therefore, it has been classified as a Variant of Uncertain Significance. Advanced modeling of protein sequence and biophysical properties (such as structural, functional, and spatial information, amino acid conservation, physicochemical variation, residue mobility, and thermodynamic stability) performed at Invitae indicates that this missense variant is not expected to disrupt BAP1 protein function. This variant has not been reported in the literature in individuals affected with BAP1-related conditions. This variant is not present in population databases (gnomAD no frequency).